The following is an entry in ClinVar:

NM_014845.6(FIG4):c.67-1G>A

Gene: FIG4 (FIG4 phosphoinositide 5-phosphatase; plus strand). Cytogenetic location: 6q21.
Variant type: single nucleotide variant.
Coding change: c.67-1G>A on transcript NM_014845.6 (MANE Select); the canonical splice acceptor site of the intron before coding-DNA position 67, G replaced by A.
Molecular consequence: splice acceptor variant.
Genome position (GRCh38, 1-based): chr6:109,715,077, G>A. VCF-style: chr6-109715077-G-A. GRCh37 (hg19) VCF-style: chr6-110036280-G-A.
Identifiers: ClinVar variation 2148227 (VCV002148227.2), dbSNP rs768011609, ClinGen allele CA3955665.

ClinVar aggregate classification (germline): Likely pathogenic (1 of 4 stars; one submission).

Conditions:
Charcot-Marie-Tooth disease type 4. Also called: Charcot-Marie-Tooth disease, type IV; Charcot-Marie-Tooth, Type 4. Identifiers: Orphanet 64749, MedGen C4082197, MONDO:0018995.

Allele frequency attached by ClinVar (database versions not stated): gnomAD exomes below 0.00001; gnomAD 0.00001; TOPMed 0.00001; ExAC 0.00002.
gnomAD v4.1: 4 of 1,530,440 alleles (0.00026%); highest among the groups gnomAD compares: Admixed American, 0.0067%; no homozygotes.

Submission:

Labcorp Genetics (formerly Invitae), Labcorp
Classification: Likely pathogenic for Charcot-Marie-Tooth disease type 4. Last evaluated: 2022-04-20. Review status: criteria provided, single submitter. Criteria: Invitae Variant Classification Sherloc (09022015). Collection method: clinical testing. Allele origin: germline.
Comment: This sequence change affects an acceptor splice site in intron 1 of the FIG4 gene. It is expected to disrupt RNA splicing. Variants that disrupt the donor or acceptor splice site typically lead to a loss of protein function (PMID: 16199547), and loss-of-function variants in FIG4 are known to be pathogenic (PMID: 23623387). This variant is present in population databases (rs768011609, gnomAD 0.009%). Disruption of this splice site has been observed in individual(s) with clinical features of FIG4-related conditions (PMID: 19118816). Algorithms developed to predict the effect of sequence changes on RNA splicing suggest that this variant may disrupt the consensus splice site. In summary, the currently available evidence indicates that the variant is pathogenic, but additional data are needed to prove that conclusively. Therefore, this variant has been classified as Likely Pathogenic.

Literature cited by the submitters: PubMed 16199547; PubMed 23623387; PubMed 19118816.